The following is an entry in ClinVar:

NM_014989.7(RIMS1):c.617G>A (p.Arg206Lys)

Gene: RIMS1 (regulating synaptic membrane exocytosis 1; plus strand). Cytogenetic location: 6q13.
Variant type: single nucleotide variant.
Coding change: c.617G>A on transcript NM_014989.7 (MANE Select); coding-DNA position 617, G replaced by A.
Protein change: p.Arg206Lys; replaces arginine 206 with lysine.
Molecular consequence: missense variant.
Genome position (GRCh38, 1-based): chr6:72,179,720, G>A. VCF-style: chr6-72179720-G-A. GRCh37 (hg19) VCF-style: chr6-72889423-G-A.
Other names: c.617G>A (NM_014989.4); short protein forms R206K.
Identifiers: ClinVar variation 957052 (VCV000957052.9), dbSNP rs756083640, ClinGen allele CA3885557.

ClinVar aggregate classification (germline): Conflicting classifications of pathogenicity. Review status: criteria provided, conflicting classifications (1 of 4 stars). 3 submissions from 3 submitters: Uncertain significance (2); Likely benign (1). Last evaluated 2025-06-17.

Allele frequency attached by ClinVar (database versions not stated): gnomAD 0.00006 and 0.00007; TOPMed 0.00006; ExAC 0.00014; gnomAD exomes 0.00014 and 0.00017.

Submissions (3):

Labcorp Genetics (formerly Invitae), Labcorp
Classification: Uncertain significance. Last evaluated: 2025-06-17. Review status: criteria provided, single submitter. Criteria: Invitae Variant Classification Sherloc (09022015). Collection method: clinical testing. Allele origin: germline.
Comment: This sequence change replaces arginine, which is basic and polar, with lysine, which is basic and polar, at codon 206 of the RIMS1 protein (p.Arg206Lys). This variant is present in population databases (rs756083640, gnomAD 0.06%), and has an allele count higher than expected for a pathogenic variant. This variant has not been reported in the literature in individuals affected with RIMS1-related conditions. ClinVar contains an entry for this variant (Variation ID: 957052). An algorithm developed to predict the effect of missense changes on protein structure and function (PolyPhen-2) suggests that this variant is likely to be disruptive. In summary, the available evidence is currently insufficient to determine the role of this variant in disease. Therefore, it has been classified as a Variant of Uncertain Significance.

Ambry Genetics
Classification: Uncertain significance. Last evaluated: 2024-11-12. Review status: criteria provided, single submitter. Criteria: Ambry Variant Classification Scheme 2023. Collection method: clinical testing. Allele origin: germline.

Blueprint Genetics
Classification: Likely benign. Last evaluated: 2024-09-18. Review status: criteria provided, single submitter. Criteria: ACMG Guidelines, 2015. Collection method: clinical testing. Allele origin: germline.